The following is an entry in ClinVar:

NM_194248.3(OTOF):c.1185C>A (p.Thr395=)

Gene: OTOF (otoferlin; minus strand). Cytogenetic location: 2p23.3.
Variant type: single nucleotide variant.
Coding change: c.1185C>A on transcript NM_194248.3 (MANE Select); coding-DNA position 1185, C replaced by A.
Protein change: p.Thr395=; no amino-acid change (threonine 395 retained).
Molecular consequence: synonymous variant.
Genome position (GRCh38, 1-based): chr2:26,484,494, G>T on the plus strand (C>A on the coding strand, the complement: OTOF is on the minus strand). VCF-style: chr2-26484494-G-T. GRCh37 (hg19) VCF-style: chr2-26707362-G-T.
Other names: c.1185C>A, p.Thr395= (NM_001287489.2).
Identifiers: ClinVar variation 746866 (VCV000746866.13), dbSNP rs61739877, ClinGen allele CA1564362.

ClinVar aggregate classification (germline): Likely benign. Review status: criteria provided, multiple submitters, no conflicts (2 of 4 stars). 4 submissions from 4 submitters: Likely benign (4). Last evaluated 2026-03-01.

Conditions:
OTOF-related disorder. Also called: OTOF-related condition.

Allele frequency attached by ClinVar (database versions not stated): TOPMed 0.00001; 1000 Genomes Project 0.00040; 1000 Genomes Project 30x 0.00047.
gnomAD v4.1: 289 of 1,614,028 alleles (0.018%); highest among the groups gnomAD compares: South Asian, 0.3%; 3 homozygotes.

Submissions (4):

CeGaT Center for Human Genetics Tuebingen
Classification: Likely benign. Last evaluated: 2026-03-01. Review status: criteria provided, single submitter. Criteria: CeGaT Center For Human Genetics Tuebingen Variant Classification Criteria Version 2. Collection method: clinical testing. Allele origin: germline. Affected: yes. Observed: 1 variant allele.
Comment: OTOF: BP4, BP7

Labcorp Genetics (formerly Invitae), Labcorp
Classification: Likely benign. Last evaluated: 2026-01-27. Review status: criteria provided, single submitter. Criteria: Invitae Variant Classification Sherloc (09022015). Collection method: clinical testing. Allele origin: germline.

PreventionGenetics, part of Exact Sciences
Classification: Likely benign for OTOF-related condition. Last evaluated: 2025-05-30. Review status: criteria provided, single submitter. Criteria: ACMG Guidelines, 2015. Collection method: clinical testing. Allele origin: germline.
Comment: This variant is classified as likely benign based on ACMG/AMP sequence variant interpretation guidelines (Richards et al. 2015 PMID: 25741868, with internal and published modifications).

GeneDx
Classification: Likely benign. Last evaluated: 2019-07-12. Review status: criteria provided, single submitter. Criteria: GeneDx Variant Classification Process June 2021. Collection method: clinical testing. Allele origin: germline. Affected: yes.